The following is an entry in ClinVar:

NM_001171.6(ABCC6):c.36+1G>C

Gene: ABCC6 (ATP binding cassette subfamily C member 6; minus strand). Cytogenetic location: 16p13.11.
Variant type: single nucleotide variant.
Coding change: c.36+1G>C on transcript NM_001171.6 (MANE Select); the canonical splice donor site of the intron after coding-DNA position 36, G replaced by C.
Molecular consequence: splice donor variant.
Genome position (GRCh38, 1-based): chr16:16,223,398, C>G on the plus strand (G>C on the coding strand, the complement: ABCC6 is on the minus strand). VCF-style: chr16-16223398-C-G. GRCh37 (hg19) VCF-style: chr16-16317255-C-G.
Other names: c.36+1G>C (NM_001440310.1, NM_001440309.1, NM_001079528.4); c.-338+1G>C (NM_001351800.1).
Identifiers: ClinVar variation 4990546 (VCV004990546.1).

ClinVar aggregate classification (germline): Likely pathogenic (1 of 4 stars; one submission).

Conditions:
ABCC6-related disorder. Also called: ABCC6-related condition.

Submission:

PreventionGenetics, part of Exact Sciences
Classification: Likely pathogenic for ABCC6-related condition. Last evaluated: 2026-03-20. Review status: criteria provided, single submitter. Criteria: ACMG Guidelines, 2015. Collection method: clinical testing. Allele origin: germline.
Comment: The ABCC6 c.36+1G>C variant is predicted to disrupt the GT donor site and interfere with normal splicing. This variant has been reported in an individual with pseudoxanthoma elasticum (Boraldi et al. 2021. PubMed ID: 34205333). An alternate nucleotide change impacting this splice site (c.36+1G>T) has been reported in individuals with PXE. (Supplemental table 2, Legrand et al. 2017. PubMed ID: 28102862). This variant has not been reported in a large population database (gnomAD), indicating this variant is rare. Variants that disrupt the consensus splice donor site in ABCC6 are expected to be pathogenic. This variant is interpreted as likely pathogenic.